The following is an entry in ClinVar:

NM_130810.4(DNAAF4):c.5C>T (p.Pro2Leu)

Genes: DNAAF4 (dynein axonemal assembly factor 4; minus strand), DNAAF4-CCPG1 (DNAAF4-CCPG1 readthrough (NMD candidate); minus strand). Cytogenetic location: 15q21.3.
Variant type: single nucleotide variant.
Coding change: c.5C>T on transcript NM_130810.4 (MANE Select); coding-DNA position 5, C replaced by T.
Protein change: p.Pro2Leu; replaces proline 2 with leucine.
Molecular consequence: missense variant. On other transcripts: non-coding transcript variant (1).
Genome position (GRCh38, 1-based): chr15:55,498,325, G>A on the plus strand (C>T on the coding strand, the complement: DNAAF4 is on the minus strand). VCF-style: chr15-55498325-G-A. GRCh37 (hg19) VCF-style: chr15-55790523-G-A.
Other names: c.5C>T, p.Pro2Leu (NM_001033559.3, NM_001033560.2); short protein forms P2L.
Identifiers: ClinVar variation 4802987 (VCV004802987.1).

ClinVar aggregate classification (germline): Uncertain significance (1 of 4 stars; one submission).

gnomAD v4.1: 9 of 1,602,284 alleles (0.00056%); highest among the groups gnomAD compares: Non-Finnish European, 0.00068%; no homozygotes.

Submission:

Labcorp Genetics (formerly Invitae), Labcorp
Classification: Uncertain significance. Last evaluated: 2025-07-21. Review status: criteria provided, single submitter. Criteria: Invitae Variant Classification Sherloc (09022015). Collection method: clinical testing. Allele origin: germline.
Comment: This sequence change replaces proline, which is neutral and non-polar, with leucine, which is neutral and non-polar, at codon 2 of the DNAAF4 protein (p.Pro2Leu). This variant is present in population databases (rs770496176, gnomAD 0.0009%). This variant has not been reported in the literature in individuals affected with DNAAF4-related conditions. Invitae Evidence Modeling of protein sequence and biophysical properties (such as structural, functional, and spatial information, amino acid conservation, physicochemical variation, residue mobility, and thermodynamic stability) indicates that this missense variant is expected to disrupt DNAAF4 protein function with a positive predictive value of 80%. In summary, the available evidence is currently insufficient to determine the role of this variant in disease. Therefore, it has been classified as a Variant of Uncertain Significance.